The following is an entry in ClinVar:

ClinVar aggregate classification (germline): Conflicting classifications of pathogenicity. Review status: criteria provided, conflicting classifications (1 of 4 stars). 2 submissions from 2 submitters: Uncertain significance (1); Likely benign (1). Last evaluated 2023-12-30.

Conditions:
Dilated cardiomyopathy 1DD (CMD1DD). Identifiers: Orphanet 154, MedGen C2750995, MONDO:0013168, OMIM 613172.
Cardiovascular phenotype. Identifiers: MedGen CN230736.

Allele frequency attached by ClinVar (database versions not stated): TOPMed below 0.00001; gnomAD 0.00001.
gnomAD v4.1: 9 of 1,551,576 alleles (0.00058%); highest among the groups gnomAD compares: African/African-American, 0.0014%; no homozygotes.

Submissions (2):

Labcorp Genetics (formerly Invitae), Labcorp
Classification: Likely benign for Dilated cardiomyopathy 1DD. Last evaluated: 2023-12-30. Review status: criteria provided, single submitter. Criteria: Invitae Variant Classification Sherloc (09022015). Collection method: clinical testing. Allele origin: germline.

Ambry Genetics
Classification: Uncertain significance for Cardiovascular phenotype. Last evaluated: 2023-11-12. Review status: criteria provided, single submitter. Criteria: Ambry Variant Classification Scheme 2023. Collection method: clinical testing. Allele origin: germline.
Comment: The p.P322T variant (also known as c.964C>A), located in coding exon 2 of the RBM20 gene, results from a C to A substitution at nucleotide position 964. The proline at codon 322 is replaced by threonine, an amino acid with highly similar properties. This amino acid position is conserved. In addition, this alteration is predicted to be tolerated by in silico analysis. Since supporting evidence is limited at this time, the clinical significance of this alteration remains unclear.

NM_001134363.3(RBM20):c.964C>A (p.Pro322Thr)

Gene: RBM20 (RNA binding motif protein 20; plus strand). Cytogenetic location: 10q25.2.
Variant type: single nucleotide variant.
Coding change: c.964C>A on transcript NM_001134363.3 (MANE Select); coding-DNA position 964, C replaced by A.
Protein change: p.Pro322Thr; replaces proline 322 with threonine.
Molecular consequence: missense variant.
Genome position (GRCh38, 1-based): chr10:110,781,573, C>A. VCF-style: chr10-110781573-C-A. GRCh37 (hg19) VCF-style: chr10-112541331-C-A.
Other names: short protein forms P322T.
Identifiers: ClinVar variation 2155927 (VCV002155927.5), dbSNP rs1371585451, ClinGen allele CA378384986.